The following is an entry in ClinVar:

ClinVar aggregate classification (germline): Uncertain significance (1 of 4 stars; one submission).

Conditions:
Neurofibromatosis, type 2 (SWNV). Also called: BILATERAL ACOUSTIC NEUROFIBROMATOSIS; SCHWANNOMATOSIS, VESTIBULAR; NF2-Related Schwannomatosis. Identifiers: Orphanet 637, MedGen C0027832, MONDO:0007039, OMIM 101000. Disease mechanism: loss of function.

Allele frequency attached by ClinVar (database versions not stated): gnomAD exomes below 0.00001.

Submission:

Labcorp Genetics (formerly Invitae), Labcorp
Classification: Uncertain significance for Neurofibromatosis, type 2. Last evaluated: 2025-05-08. Review status: criteria provided, single submitter. Criteria: Invitae Variant Classification Sherloc (09022015). Collection method: clinical testing. Allele origin: germline.
Comment: This sequence change replaces alanine, which is neutral and non-polar, with serine, which is neutral and polar, at codon 330 of the NF2 protein (p.Ala330Ser). This variant is not present in population databases (gnomAD no frequency). This variant has not been reported in the literature in individuals affected with NF2-related conditions. ClinVar contains an entry for this variant (Variation ID: 1449168). Invitae Evidence Modeling of protein sequence and biophysical properties (such as structural, functional, and spatial information, amino acid conservation, physicochemical variation, residue mobility, and thermodynamic stability) indicates that this missense variant is not expected to disrupt NF2 protein function with a negative predictive value of 80%. In summary, the available evidence is currently insufficient to determine the role of this variant in disease. Therefore, it has been classified as a Variant of Uncertain Significance.

NM_000268.4(NF2):c.988G>T (p.Ala330Ser)

Gene: NF2 (NF2, moesin-ezrin-radixin like (MERLIN) tumor suppressor; plus strand). Cytogenetic location: 22q12.2.
Variant type: single nucleotide variant.
Coding change: c.988G>T on transcript NM_000268.4 (MANE Select); coding-DNA position 988, G replaced by T.
Protein change: p.Ala330Ser; replaces alanine 330 with serine.
Molecular consequence: missense variant. On other transcripts: non-coding transcript variant (1), intron variant (1).
Genome position (GRCh38, 1-based): chr22:29,668,435, G>T. VCF-style: chr22-29668435-G-T. GRCh37 (hg19) VCF-style: chr22-30064424-G-T.
Other names: c.862G>T, p.Ala288Ser (NM_181828.3); c.865G>T, p.Ala289Ser (NM_181829.3); c.739G>T, p.Ala247Ser (NM_181830.3, NM_181831.3); c.988G>T, p.Ala330Ser (NM_181832.3, NM_016418.5, NM_181825.3); c.447+26150G>T (NM_181833.3); short protein forms A289S, A247S, A288S, A330S.
Identifiers: ClinVar variation 1449168 (VCV001449168.8), dbSNP rs2147053169, ClinGen allele CA411146149.
Genomic context (GRCh38, chr22:29,668,435, plus strand): 5'-AGAAGGAAAGCCGATTCTTTGGAAGTTCAGCAGATGAAAGCCCAGGCCAGGGAGGAGAAG[G>T]CTAGAAAGCAGGTGAGCACAACCTTGTTTTAACTGATGATGTCACTGTGTGGTCAGTCCT-3'
Protein context (NP_000259.1, residues 320-340): QMKAQAREEK[Ala330Ser]RKQMERQRLA